The following is an entry in ClinVar:

NM_033026.6(PCLO):c.1324C>T (p.Gln442Ter)

Gene: PCLO (piccolo presynaptic cytomatrix protein; minus strand). Cytogenetic location: 7q21.11.
Variant type: single nucleotide variant.
Coding change: c.1324C>T on transcript NM_033026.6 (MANE Select); coding-DNA position 1324, C replaced by T.
Protein change: p.Gln442Ter; replaces glutamine 442 with a stop codon.
Molecular consequence: nonsense.
Genome position (GRCh38, 1-based): chr7:83,155,317, G>A on the plus strand (C>T on the coding strand, the complement: PCLO is on the minus strand). VCF-style: chr7-83155317-G-A. GRCh37 (hg19) VCF-style: chr7-82784633-G-A.
Other names: c.1324C>T, p.Gln442Ter (NM_014510.3); short protein forms Q442*.
Identifiers: ClinVar variation 1458079 (VCV001458079.6), dbSNP rs2116688381, ClinGen allele CA367914681.

ClinVar aggregate classification (germline): Pathogenic (1 of 4 stars; one submission).

Submission:

Labcorp Genetics (formerly Invitae), Labcorp
Classification: Pathogenic. Last evaluated: 2021-08-19. Review status: criteria provided, single submitter. Criteria: Invitae Variant Classification Sherloc (09022015). Collection method: clinical testing. Allele origin: germline.
Comment: This sequence change creates a premature translational stop signal (p.Gln442*) in the PCLO gene. It is expected to result in an absent or disrupted protein product. Loss-of-function variants in PCLO are known to be pathogenic (PMID: 25832664, 30287594). This variant is not present in population databases (ExAC no frequency). This variant has not been reported in the literature in individuals affected with PCLO-related conditions. For these reasons, this variant has been classified as Pathogenic.

Literature cited by the submitters: PubMed 25832664; PubMed 30287594.